The following is an entry in ClinVar:

NM_001292063.2(OTOG):c.2300C>T (p.Ser767Phe)

Gene: OTOG (otogelin; plus strand). Cytogenetic location: 11p15.1.
Variant type: single nucleotide variant.
Coding change: c.2300C>T on transcript NM_001292063.2 (MANE Select); coding-DNA position 2300, C replaced by T.
Protein change: p.Ser767Phe; replaces serine 767 with phenylalanine.
Molecular consequence: missense variant.
Genome position (GRCh38, 1-based): chr11:17,574,726, C>T. VCF-style: chr11-17574726-C-T. GRCh37 (hg19) VCF-style: chr11-17596273-C-T.
Other names: c.2336C>T, p.Ser779Phe (NM_001277269.2); short protein forms S767F, S779F.
Identifiers: ClinVar variation 1331148 (VCV001331148.3), dbSNP rs751618218, ClinGen allele CA5905611.

ClinVar aggregate classification (germline): Uncertain significance (1 of 4 stars; one submission).

Allele frequency attached by ClinVar (database versions not stated): gnomAD exomes 0.00002 and 0.00006; ExAC 0.00006; gnomAD 0.00015 and 0.00017; TOPMed 0.00017.
gnomAD v4.1: 49 of 1,550,368 alleles (0.0032%); highest among the groups gnomAD compares: African/African-American, 0.051%; no homozygotes.

Submission:

GeneDx
Classification: Uncertain significance. Last evaluated: 2024-12-31. Review status: criteria provided, single submitter. Criteria: GeneDx Variant Classification Process June 2021. Collection method: clinical testing. Allele origin: germline. Affected: yes.
Comment: In silico analysis indicates that this missense variant does not alter protein structure/function; Has not been previously published as pathogenic or benign to our knowledge